The following is an entry in ClinVar:

ClinVar aggregate classification (germline): Pathogenic (1 of 4 stars; one submission).

Allele frequency attached by ClinVar (database versions not stated): gnomAD 0.00001; gnomAD exomes 0.00001; ExAC 0.00003.
gnomAD v4.1: 17 of 1,586,258 alleles (0.0011%); highest among the groups gnomAD compares: Non-Finnish European, 0.0015%; no homozygotes.

Submission:

Labcorp Genetics (formerly Invitae), Labcorp
Classification: Pathogenic. Last evaluated: 2023-02-01. Review status: criteria provided, single submitter. Criteria: Invitae Variant Classification Sherloc (09022015). Collection method: clinical testing. Allele origin: germline.
Comment: Disruption of this splice site has been observed in individual(s) with clinical features of autosomal recessive NR2E3-related conditions (PMID: 29193891). In at least one individual the data is consistent with being in trans (on the opposite chromosome) from a pathogenic variant. Algorithms developed to predict the effect of sequence changes on RNA splicing suggest that this variant may disrupt the consensus splice site. For these reasons, this variant has been classified as Pathogenic. This sequence change affects a donor splice site in intron 4 of the NR2E3 gene. It is expected to disrupt RNA splicing. Variants that disrupt the donor or acceptor splice site typically lead to a loss of protein function (PMID: 16199547), and loss-of-function variants in NR2E3 are known to be pathogenic (PMID: 15459973, 27522502). This variant is present in population databases (rs750995972, gnomAD 0.001%).

Literature cited by the submitters: PubMed 29193891; PubMed 16199547; PubMed 15459973; PubMed 27522502.

NM_014249.4(NR2E3):c.571+2T>C

Gene: NR2E3 (nuclear receptor subfamily 2 group E member 3; plus strand). Cytogenetic location: 15q23.
Variant type: single nucleotide variant.
Coding change: c.571+2T>C on transcript NM_014249.4 (MANE Select); the canonical splice donor site of the intron after coding-DNA position 571, T replaced by C.
Molecular consequence: splice donor variant.
Genome position (GRCh38, 1-based): chr15:71,812,178, T>C. VCF-style: chr15-71812178-T-C. GRCh37 (hg19) VCF-style: chr15-72104518-T-C.
Other names: c.571+2T>C (NM_016346.4).
Identifiers: ClinVar variation 2910380 (VCV002910380.3), dbSNP rs750995972, ClinGen allele CA7640332.